The following is an entry in ClinVar:

NM_000551.4(VHL):c.313A>T (p.Thr105Ser)

Gene: VHL (von Hippel-Lindau tumor suppressor; plus strand). Cytogenetic location: 3p25.3.
Variant type: single nucleotide variant.
Coding change: c.313A>T on transcript NM_000551.4 (MANE Select); coding-DNA position 313, A replaced by T.
Protein change: p.Thr105Ser; replaces threonine 105 with serine.
Molecular consequence: missense variant. On other transcripts: non-coding transcript variant (1).
Genome position (GRCh38, 1-based): chr3:10,142,160, A>T. VCF-style: chr3-10142160-A-T. GRCh37 (hg19) VCF-style: chr3-10183844-A-T.
Other names: c.313A>T, p.Thr105Ser (NM_198156.3, NM_001354723.2); short protein forms T105S.
Identifiers: ClinVar variation 3386191 (VCV003386191.1).

ClinVar aggregate classification (germline): Uncertain significance (1 of 4 stars; one submission).

Conditions:
Von Hippel-Lindau syndrome (VHLS). Also called: Von Hippel-Lindau; VHL syndrome; von Hippel–Lindau syndrome. Identifiers: Orphanet 892, MedGen C0019562, MONDO:0008667, OMIM 193300. Disease mechanism: loss of function.

Submission:

All of Us Research Program, National Institutes of Health
Classification: Uncertain significance for Von Hippel-Lindau syndrome. Last evaluated: 2024-04-25. Review status: criteria provided, single submitter. Criteria: ACMG Guidelines, 2015. Collection method: clinical testing. Allele origin: germline. Inheritance: Autosomal dominant inheritance. Observed: 1 variant allele, 1 heterozygote.
Comment: This missense variant replaces threonine with serine at codon 105 of the VHL protein. Computational prediction suggests that this variant may not impact protein structure and function (internally defined REVEL score threshold <= 0.5, PMID: 27666373). To our knowledge, functional studies have not been reported for this variant. This variant has not been reported in individuals affected with VHL-related disorders in the literature. This variant has not been identified in the general population by the Genome Aggregation Database (gnomAD). The available evidence is insufficient to determine the role of this variant in disease conclusively. Therefore, this variant is classified as a Variant of Uncertain Significance.

This study involves interpretation of variants in research participants for the purpose of population health screening. Participant phenotype was not available at the time of variant classification. Additional details can be found in publication PMID: 35346344, PMCID: PMC8962531